The following is an entry in ClinVar:

NM_032730.5(RTN4IP1):c.1018T>C (p.Trp340Arg)

Gene: RTN4IP1 (reticulon 4 interacting protein 1; minus strand). Cytogenetic location: 6q21.
Variant type: single nucleotide variant.
Coding change: c.1018T>C on transcript NM_032730.5 (MANE Select); coding-DNA position 1018, T replaced by C.
Protein change: p.Trp340Arg; replaces tryptophan 340 with arginine.
Molecular consequence: missense variant.
Genome position (GRCh38, 1-based): chr6:106,583,393, A>G on the plus strand (T>C on the coding strand, the complement: RTN4IP1 is on the minus strand). VCF-style: chr6-106583393-A-G. GRCh37 (hg19) VCF-style: chr6-107031268-A-G.
Other names: c.718T>C, p.Trp240Arg (NM_001318746.1); short protein forms W240R, W340R.
Identifiers: ClinVar variation 3719755 (VCV003719755.3).
Genomic context (GRCh38, chr6:106,583,393, plus strand): 5'-CCGCATCCACCAGTTCTGCAATGTCATCTAAACATGGGCCACTGGCCATGAAAAATGCCC[A>G]GCGATAATGGACTCCTTTCCAGAAATGCTAAAAAGAAGAAAACAAAACATGTCAAATACA-3'
Protein context (NP_116119.2, residues 330-350): KHFWKGVHYR[Trp340Arg]AFFMASGPCL

ClinVar aggregate classification (germline): Conflicting classifications of pathogenicity. Review status: criteria provided, conflicting classifications (1 of 4 stars). 2 submissions from 2 submitters: Likely pathogenic (1); Uncertain significance (1). Last evaluated 2024-12-24.

Conditions:
RTN4IP1-related disorder. Also called: RTN4IP1-related condition.

gnomAD v4.1: 3 of 1,613,572 alleles (0.00019%); highest among the groups gnomAD compares: African/African-American, 0.0013%; no homozygotes.

Submissions (2):

Labcorp Genetics (formerly Invitae), Labcorp
Classification: Uncertain significance. Last evaluated: 2024-12-24. Review status: criteria provided, single submitter. Criteria: Invitae Variant Classification Sherloc (09022015). Collection method: clinical testing. Allele origin: germline.
Comment: This sequence change replaces tryptophan, which is neutral and slightly polar, with arginine, which is basic and polar, at codon 340 of the RTN4IP1 protein (p.Trp340Arg). This variant is present in population databases (no rsID available, gnomAD 0.007%). This variant has not been reported in the literature in individuals affected with RTN4IP1-related conditions. Invitae Evidence Modeling of protein sequence and biophysical properties (such as structural, functional, and spatial information, amino acid conservation, physicochemical variation, residue mobility, and thermodynamic stability) indicates that this missense variant is expected to disrupt RTN4IP1 protein function with a positive predictive value of 80%. In summary, the available evidence is currently insufficient to determine the role of this variant in disease. Therefore, it has been classified as a Variant of Uncertain Significance.

Blueprint Genetics
Classification: Likely pathogenic for RTN4IP1-related disorders. Last evaluated: 2022-07-15. Review status: criteria provided, single submitter. Criteria: ACMG Guidelines, 2015. Collection method: clinical testing. Allele origin: germline. Affected: yes. Observed: 1 variant allele.